The following is an entry in ClinVar:

NM_002458.3(MUC5B):c.15108C>T (p.Val5036=)

Gene: MUC5B (mucin 5B, oligomeric mucus/gel-forming; plus strand). Cytogenetic location: 11p15.5.
Variant type: single nucleotide variant.
Coding change: c.15108C>T on transcript NM_002458.3 (MANE Select); coding-DNA position 15108, C replaced by T.
Protein change: p.Val5036=; no amino-acid change (valine 5036 retained).
Molecular consequence: synonymous variant.
Genome position (GRCh38, 1-based): chr11:1,252,871, C>T. VCF-style: chr11-1252871-C-T. GRCh37 (hg19) VCF-style: chr11-1274101-C-T.
Identifiers: ClinVar variation 3257030 (VCV003257030.17).
Genomic context (GRCh38, chr11:1,252,871, plus strand): 5'-GAATGAGACCTGGACCCTGGAGAACTGCACGGTGGCCAGGTGCGTGGGTGACAACCGTGT[C>T]GTCCTGCTGGACCCAAAGCCTGTGGCCAACGTCACCTGCGTGAACAAGCACCTGCCCATC-3'
Protein context (NP_002449.2, residues 5026-5046): TVARCVGDNR[Val5036=]VLLDPKPVAN

ClinVar aggregate classification (germline): Likely benign (1 of 4 stars; one submission).

gnomAD v4.1: 41 of 1,612,432 alleles (0.0025%); highest among the groups gnomAD compares: African/African-American, 0.004%; no homozygotes.

Submission:

CeGaT Center for Human Genetics Tuebingen
Classification: Likely benign. Last evaluated: 2024-07-01. Review status: criteria provided, single submitter. Criteria: CeGaT Center For Human Genetics Tuebingen Variant Classification Criteria Version 2. Collection method: clinical testing. Allele origin: germline. Affected: yes. Observed: 1 variant allele.
Comment: MUC5B: BP4, BP7